The following is an entry in ClinVar:

NM_000350.3(ABCA4):c.5914G>A (p.Gly1972Arg)

Gene: ABCA4 (ATP binding cassette subfamily A member 4; minus strand). Cytogenetic location: 1p22.1.
Variant type: single nucleotide variant.
Coding change: c.5914G>A on transcript NM_000350.3 (MANE Select); coding-DNA position 5914, G replaced by A.
Protein change: p.Gly1972Arg; replaces glycine 1972 with arginine.
Molecular consequence: missense variant.
Genome position (GRCh38, 1-based): chr1:94,007,725, C>T on the plus strand (G>A on the coding strand, the complement: ABCA4 is on the minus strand). VCF-style: chr1-94007725-C-T. GRCh37 (hg19) VCF-style: chr1-94473281-C-T.
Other names: c.5692G>A, p.Gly1898Arg (NM_001425324.1); short protein forms G1972R, G1898R.
Identifiers: ClinVar variation 99418 (VCV000099418.8), dbSNP rs61753035, ClinGen allele CA227353.
Genomic context (GRCh38, chr1:94,007,725, plus strand): 5'-TCACTGTGGTGTCCCCAGTGAGCATCTTGAATGTGGTTGTTTTGCCGGCACCATTCACTC[C>T]CAGGAGGCCAAAGCACTAGGAGAAAACACAGAGCTAGCCTGGCCCTAGAGATCAAGAAGG-3'
Protein context (NP_000341.2, residues 1962-1982): VRPGECFGLL[Gly1972Arg]VNGAGKTTTF

ClinVar aggregate classification (germline): Pathogenic. Review status: criteria provided, multiple submitters, no conflicts (2 of 4 stars). 4 submissions from 4 submitters: Pathogenic (3). 1 of the submissions does not count toward it. Last evaluated 2022-09-27.

Conditions:
ABCA4-related disorder. Also called: ABCA4-related disorders; ABCA4-related condition. Identifiers: MedGen CN239167.
Severe early-childhood-onset retinal dystrophy (STGD1). Also called: MACULAR DYSTROPHY WITH FLECKS, TYPE 1; STGD; Stargardt macular dystrophy; Juvenile onset macular degeneration; Stargardt disease 1. Identifiers: Orphanet 364055, Orphanet 827, MedGen C1855465, MeSH D000080362, MONDO:0009549, OMIM 248200.

Allele frequency attached by ClinVar (database versions not stated): gnomAD 0.00001.
gnomAD v4.1: 1 of 1,613,892 alleles (0.000062%); highest among the groups gnomAD compares: South Asian, 0.0011%; no homozygotes.

Submissions (4):

Labcorp Genetics (formerly Invitae), Labcorp
Classification: Pathogenic. Last evaluated: 2022-09-27. Review status: criteria provided, single submitter. Criteria: Invitae Variant Classification Sherloc (09022015). Collection method: clinical testing. Allele origin: germline.
Comment: For these reasons, this variant has been classified as Pathogenic. Advanced modeling of protein sequence and biophysical properties (such as structural, functional, and spatial information, amino acid conservation, physicochemical variation, residue mobility, and thermodynamic stability) performed at Invitae indicates that this missense variant is expected to disrupt ABCA4 protein function. ClinVar contains an entry for this variant (Variation ID: 99418). This missense change has been observed in individual(s) with Stargardt disease (PMID: 22661472, 23755871, 31614660; Invitae). In at least one individual the data is consistent with being in trans (on the opposite chromosome) from a pathogenic variant. This variant is not present in population databases (gnomAD no frequency). This sequence change replaces glycine, which is neutral and non-polar, with arginine, which is basic and polar, at codon 1972 of the ABCA4 protein (p.Gly1972Arg).

Blueprint Genetics
Classification: Pathogenic for ABCA4-related disorders. Last evaluated: 2019-09-11. Review status: criteria provided, single submitter. Criteria: ACMG Guidelines, 2015. Collection method: clinical testing. Allele origin: germline. Affected: yes. Observed: 1 variant allele.

Clinical Genetics Service, Universitary Hospital 12 de Octubre
Classification: Pathogenic for Severe early-childhood-onset retinal dystrophy. Review status: criteria provided, single submitter. Criteria: ACMG Guidelines, 2015. Collection method: clinical testing. Allele origin: maternal. Affected: yes.

Retina International
No classification provided. Review status: no classification provided. Collection method: not provided. Allele origin: not provided. Not counted in ClinVar's aggregate classification.

Literature cited by the submitters: PubMed 22661472 (cited by Labcorp Genetics (formerly Invitae), Labcorp); PubMed 23755871 (cited by Labcorp Genetics (formerly Invitae), Labcorp); PubMed 31614660 (cited by Labcorp Genetics (formerly Invitae), Labcorp).